The following is an entry in ClinVar:

NM_006231.4(POLE):c.4754T>A (p.Ile1585Asn)

Gene: POLE (DNA polymerase epsilon, catalytic subunit; minus strand). Cytogenetic location: 12q24.33.
Variant type: single nucleotide variant.
Coding change: c.4754T>A on transcript NM_006231.4 (MANE Select); coding-DNA position 4754, T replaced by A.
Protein change: p.Ile1585Asn; replaces isoleucine 1585 with asparagine.
Molecular consequence: missense variant.
Genome position (GRCh38, 1-based): chr12:132,642,704, A>T on the plus strand (T>A on the coding strand, the complement: POLE is on the minus strand). VCF-style: chr12-132642704-A-T. GRCh37 (hg19) VCF-style: chr12-133219290-A-T.
Other names: c.4754T>A (NM_006231.2); short protein forms I1585N.
Identifiers: ClinVar variation 584833 (VCV000584833.7), dbSNP rs1565937957, ClinGen allele CA387378504.

ClinVar aggregate classification (germline): Uncertain significance. Review status: criteria provided, multiple submitters, no conflicts (2 of 4 stars). 3 submissions from 3 submitters: Uncertain significance (3). Last evaluated 2025-04-11.

Conditions:
Hereditary cancer-predisposing syndrome. Also called: Tumor predisposition; Neoplastic Syndromes, Hereditary; Hereditary neoplastic syndrome; Hereditary Cancer Syndrome. Identifiers: Orphanet 140162, MedGen C0027672, MeSH D009386, MONDO:0015356.
Familial colorectal cancer. Identifiers: MedGen CN280943, MONDO:0023113. Disease mechanism: loss of function.

Submissions (3):

Ambry Genetics
Classification: Uncertain significance for Hereditary cancer-predisposing syndrome. Last evaluated: 2025-04-11. Review status: criteria provided, single submitter. Criteria: Ambry Variant Classification Scheme 2023. Collection method: clinical testing. Allele origin: germline.
Comment: The p.I1585N variant (also known as c.4754T>A), located in coding exon 37 of the POLE gene, results from a T to A substitution at nucleotide position 4754. The isoleucine at codon 1585 is replaced by asparagine, an amino acid with dissimilar properties. This amino acid position is not well conserved in available vertebrate species. In addition, this alteration is predicted to be tolerated by in silico analysis. Based on the available evidence, the clinical significance of this variant remains unclear.

Labcorp Genetics (formerly Invitae), Labcorp
Classification: Uncertain significance. Last evaluated: 2025-03-03. Review status: criteria provided, single submitter. Criteria: Invitae Variant Classification Sherloc (09022015). Collection method: clinical testing. Allele origin: germline.
Comment: This sequence change replaces isoleucine, which is neutral and non-polar, with asparagine, which is neutral and polar, at codon 1585 of the POLE protein (p.Ile1585Asn). This variant is not present in population databases (gnomAD no frequency). This missense change has been observed in individual(s) with breast cancer (PMID: 35264596). ClinVar contains an entry for this variant (Variation ID: 584833). Invitae Evidence Modeling of protein sequence and biophysical properties (such as structural, functional, and spatial information, amino acid conservation, physicochemical variation, residue mobility, and thermodynamic stability) has been performed for this missense variant. However, the output from this modeling did not meet the statistical confidence thresholds required to predict the impact of this variant on POLE protein function. In summary, the available evidence is currently insufficient to determine the role of this variant in disease. Therefore, it has been classified as a Variant of Uncertain Significance.

Mendelics
Classification: Uncertain significance for Familial colorectal cancer. Last evaluated: 2018-07-02. Review status: criteria provided, single submitter. Criteria: Mendelics Assertion Criteria 2017. Collection method: clinical testing. Allele origin: unknown.

Literature cited by the submitters: PubMed 35264596 (cited by Labcorp Genetics (formerly Invitae), Labcorp).